The following is an entry in ClinVar:

NM_022166.4(XYLT1):c.2159T>C (p.Met720Thr)

Gene: XYLT1 (xylosyltransferase 1; minus strand). Cytogenetic location: 16p12.3.
Variant type: single nucleotide variant.
Coding change: c.2159T>C on transcript NM_022166.4 (MANE Select); coding-DNA position 2159, T replaced by C.
Protein change: p.Met720Thr; replaces methionine 720 with threonine.
Molecular consequence: missense variant.
Genome position (GRCh38, 1-based): chr16:17,127,730, A>G on the plus strand (T>C on the coding strand, the complement: XYLT1 is on the minus strand). VCF-style: chr16-17127730-A-G. GRCh37 (hg19) VCF-style: chr16-17221587-A-G.
Other names: short protein forms M720T.
Identifiers: ClinVar variation 2111812 (VCV002111812.4), dbSNP rs2506162900, ClinGen allele CA395219012.
Genomic context (GRCh38, chr16:17,127,730, plus strand): 5'-GAAAACTGAAGCCTCCCAAAGTCACTGGGTGGGCTTGCGATCTTGAAGACTTTTTTCGGC[A>G]TCACCCAGGTCTCCAGAGTCTCTAGTTTGCTCACAGCCAGATTGGTAGCATGATGCTTGA-3'
Protein context (NP_071449.1, residues 710-730): SKLETLETWV[Met720Thr]PKKVFKIASP

ClinVar aggregate classification (germline): Uncertain significance (1 of 4 stars; one submission).

Conditions:
Desbuquois dysplasia 1 (DBQD1). Also called: MICROMELIC DWARFISM WITH VERTEBRAL AND METAPHYSEAL ABNORMALITIES AND ADVANCED CARPOTARSAL OSSIFICATION; DESBUQUOIS DYSPLASIA 1, KIM VARIANT. Identifiers: Orphanet 1425, MedGen C4012146, MONDO:0009629, OMIM 251450.

Allele frequency attached by ClinVar (database versions not stated): gnomAD exomes below 0.00001.
gnomAD v4.1: 1 of 1,614,172 alleles (0.000062%); highest among the groups gnomAD compares: Non-Finnish European, 0.000085%; no homozygotes.

Submission:

Labcorp Genetics (formerly Invitae), Labcorp
Classification: Uncertain significance for Desbuquois dysplasia 1. Last evaluated: 2022-03-14. Review status: criteria provided, single submitter. Criteria: Invitae Variant Classification Sherloc (09022015). Collection method: clinical testing. Allele origin: germline.
Comment: Algorithms developed to predict the effect of missense changes on protein structure and function (SIFT, PolyPhen-2, Align-GVGD) all suggest that this variant is likely to be tolerated. In summary, the available evidence is currently insufficient to determine the role of this variant in disease. Therefore, it has been classified as a Variant of Uncertain Significance. This variant has not been reported in the literature in individuals affected with XYLT1-related conditions. This variant is not present in population databases (gnomAD no frequency). This sequence change replaces methionine, which is neutral and non-polar, with threonine, which is neutral and polar, at codon 720 of the XYLT1 protein (p.Met720Thr).